The following is an entry in ClinVar:

NM_016507.4(CDK12):c.2177A>C (p.Lys726Thr)

Gene: CDK12 (cyclin dependent kinase 12; plus strand). Cytogenetic location: 17q12.
Variant type: single nucleotide variant.
Coding change: c.2177A>C on transcript NM_016507.4 (MANE Select); coding-DNA position 2177, A replaced by C.
Protein change: p.Lys726Thr; replaces lysine 726 with threonine.
Molecular consequence: missense variant.
Genome position (GRCh38, 1-based): chr17:39,492,819, A>C. VCF-style: chr17-39492819-A-C. GRCh37 (hg19) VCF-style: chr17-37649072-A-C.
Other names: c.2177A>C, p.Lys726Thr (NM_015083.4); short protein forms K726T.
Identifiers: ClinVar variation 3999381 (VCV003999381.1).
Genomic context (GRCh38, chr17:39,492,819, plus strand): 5'-GTCCTCGTTATGGAGAAAGAAGACAAACAGAAAGCGACTGGGGGAAACGCTGTGTGGACA[A>C]GTTTGACATTATTGGGATTATTGGAGAAGGAACCTATGGCCAAGTATATAAAGCCAAGGA-3'
Protein context (NP_057591.2, residues 716-736): ESDWGKRCVD[Lys726Thr]FDIIGIIGEG

ClinVar aggregate classification (germline): Uncertain significance (1 of 4 stars; one submission).

gnomAD v4.1: 3 of 1,613,440 alleles (0.00019%); highest among the groups gnomAD compares: Non-Finnish European, 0.00025%; no homozygotes.

Submission:

Ambry Genetics
Classification: Uncertain significance. Last evaluated: 2025-04-20. Review status: criteria provided, single submitter. Criteria: Ambry Variant Classification Scheme 2023. Collection method: clinical testing. Allele origin: germline.
Comment: The p.K726T variant (also known as c.2177A>C), located in coding exon 4 of the CDK12 gene, results from an A to C substitution at nucleotide position 2177. The lysine at codon 726 is replaced by threonine, an amino acid with similar properties. This amino acid position is conserved. In addition, the in silico prediction for this alteration is inconclusive. Based on the available evidence, the clinical significance of this variant remains unclear.